The following is an entry in ClinVar:

ClinVar aggregate classification (germline): Likely benign. Review status: criteria provided, multiple submitters, no conflicts (2 of 4 stars). 2 submissions from 2 submitters: Likely benign (2). Last evaluated 2023-10-13.

Allele frequency attached by ClinVar (database versions not stated): gnomAD 0.00001; gnomAD exomes 0.00002; ExAC 0.00003; TOPMed 0.00003.
gnomAD v4.1: 27 of 1,613,644 alleles (0.0017%); highest among the groups gnomAD compares: South Asian, 0.0022%; no homozygotes.

Submissions (2):

Labcorp Genetics (formerly Invitae), Labcorp
Classification: Likely benign. Last evaluated: 2023-10-13. Review status: criteria provided, single submitter. Criteria: Invitae Variant Classification Sherloc (09022015). Collection method: clinical testing. Allele origin: germline.

CeGaT Center for Human Genetics Tuebingen
Classification: Likely benign. Last evaluated: 2023-09-01. Review status: criteria provided, single submitter. Criteria: CeGaT Center For Human Genetics Tuebingen Variant Classification Criteria Version 2. Collection method: clinical testing. Allele origin: germline. Affected: yes. Observed: 1 variant allele.
Comment: GUCY2C: BP4, BP7

NM_004963.4(GUCY2C):c.279C>T (p.Gly93=)

Genes: GUCY2C-AS1 (GUCY2C antisense RNA 1; plus strand), GUCY2C (guanylate cyclase 2C; minus strand). Cytogenetic location: 12p12.3.
Variant type: single nucleotide variant.
Coding change: c.279C>T on transcript NM_004963.4 (MANE Select); coding-DNA position 279, C replaced by T.
Protein change: p.Gly93=; no amino-acid change (glycine 93 retained).
Molecular consequence: synonymous variant.
Genome position (GRCh38, 1-based): chr12:14,688,002, G>A on the plus strand (C>T on the coding strand, the complement: GUCY2C is on the minus strand). VCF-style: chr12-14688002-G-A. GRCh37 (hg19) VCF-style: chr12-14840936-G-A.
Identifiers: ClinVar variation 1514637 (VCV001514637.32), dbSNP rs761359568, ClinGen allele CA6463794.